The following is an entry in ClinVar:

NM_002480.3(PPP1R12A):c.1410A>C (p.Ser470=)

Gene: PPP1R12A (protein phosphatase 1 regulatory subunit 12A; minus strand). Cytogenetic location: 12q21.2.
Variant type: single nucleotide variant.
Coding change: c.1410A>C on transcript NM_002480.3 (MANE Select); coding-DNA position 1410, A replaced by C.
Protein change: p.Ser470=; no amino-acid change (serine 470 retained).
Molecular consequence: synonymous variant.
Genome position (GRCh38, 1-based): chr12:79,809,840, T>G on the plus strand (A>C on the coding strand, the complement: PPP1R12A is on the minus strand). VCF-style: chr12-79809840-T-G. GRCh37 (hg19) VCF-style: chr12-80203620-T-G.
Other names: c.1410A>C, p.Ser470= (NM_001143885.2, NM_001244990.2, NM_001244992.1); c.1149A>C, p.Ser383= (NM_001143886.2).
Identifiers: ClinVar variation 779153 (VCV000779153.10), dbSNP rs184111440, ClinGen allele CA6699686.

ClinVar aggregate classification (germline): Benign. Review status: criteria provided, multiple submitters, no conflicts (2 of 4 stars). 3 submissions from 3 submitters: Benign (3). Last evaluated 2026-09-01.

Allele frequency attached by ClinVar (database versions not stated): ESP Exome Variant Server 0.00075; 1000 Genomes Project 0.00080; TOPMed 0.00108; 1000 Genomes Project 30x 0.00109; gnomAD 0.00119 and 0.00122; ExAC 0.00318; gnomAD exomes 0.00333.
gnomAD v4.1: 1,516 of 1,613,560 alleles (0.094%); highest among the groups gnomAD compares: Admixed American, 1.1%; 14 homozygotes.

Submissions (3):

CeGaT Center for Human Genetics Tuebingen
Classification: Benign. Last evaluated: 2026-09-01. Review status: criteria provided, single submitter. Criteria: CeGaT Center For Human Genetics Tuebingen Variant Classification Criteria Version 2. Collection method: clinical testing. Allele origin: germline. Affected: yes. Observed: 1 variant allele.
Comment: PPP1R12A: BP4, BP7, BS1, BS2

Labcorp Genetics (formerly Invitae), Labcorp
Classification: Benign. Last evaluated: 2026-01-09. Review status: criteria provided, single submitter. Criteria: Invitae Variant Classification Sherloc (09022015). Collection method: clinical testing. Allele origin: germline.

Breakthrough Genomics
Classification: Benign. Review status: criteria provided, single submitter. Criteria: ACMG Guidelines, 2015. Collection method: not provided. Allele origin: germline. Inheritance: Autosomal dominant inheritance. Affected: yes.